The following is an entry in ClinVar:

NM_001379500.1(COL18A1):c.226A>C (p.Ser76Arg)

Gene: COL18A1 (collagen type XVIII alpha 1 chain; plus strand). Cytogenetic location: 21q22.3.
Variant type: single nucleotide variant.
Coding change: c.226A>C on transcript NM_001379500.1 (MANE Select); coding-DNA position 226, A replaced by C.
Protein change: p.Ser76Arg; replaces serine 76 with arginine.
Molecular consequence: missense variant.
Genome position (GRCh38, 1-based): chr21:45,468,361, A>C. VCF-style: chr21-45468361-A-C. GRCh37 (hg19) VCF-style: chr21-46888275-A-C.
Other names: c.766A>C, p.Ser256Arg (NM_030582.4); c.1471A>C, p.Ser491Arg (NM_130444.3); short protein forms S256R, S76R, S491R.
Identifiers: ClinVar variation 2006090 (VCV002006090.3), dbSNP rs374084790, ClinGen allele CA321905863.
Genomic context (GRCh38, chr21:45,468,361, plus strand): 5'-GTCACCCAGACGGATGACCCCGACGTCGGGCTGGCCTACGTCTTTGGGCCAGATGCCAAC[A>C]GTGGCCAAGTGGCCCGGTACCACTTCCCCAGCCTCTTCTTCCGTGACTTCTCACTGCTGT-3'
Protein context (NP_001366429.1, residues 66-86): LAYVFGPDAN[Ser76Arg]GQVARYHFPS

ClinVar aggregate classification (germline): Uncertain significance (1 of 4 stars; one submission).

Allele frequency attached by ClinVar (database versions not stated): gnomAD 0.00001; TOPMed 0.00001; ESP Exome Variant Server 0.00008.
gnomAD v4.1: 1 of 1,613,674 alleles (0.000062%); highest among the groups gnomAD compares: African/African-American, 0.0013%; no homozygotes.

Submission:

Labcorp Genetics (formerly Invitae), Labcorp
Classification: Uncertain significance. Last evaluated: 2023-04-19. Review status: criteria provided, single submitter. Criteria: Invitae Variant Classification Sherloc (09022015). Collection method: clinical testing. Allele origin: germline.
Comment: This variant has not been reported in the literature in individuals affected with COL18A1-related conditions. This sequence change replaces serine, which is neutral and polar, with arginine, which is basic and polar, at codon 76 of the COL18A1 protein (p.Ser76Arg). This variant is not present in population databases (gnomAD no frequency). ClinVar contains an entry for this variant (Variation ID: 2006090). Experimental studies and prediction algorithms are not available or were not evaluated, and the functional significance of this variant is currently unknown. In summary, the available evidence is currently insufficient to determine the role of this variant in disease. Therefore, it has been classified as a Variant of Uncertain Significance.